The following is an entry in ClinVar:

NM_003923.3(FOXH1):c.451G>C (p.Gly151Arg)

Gene: FOXH1 (forkhead box H1; minus strand). Cytogenetic location: 8q24.3.
Variant type: single nucleotide variant.
Coding change: c.451G>C on transcript NM_003923.3 (MANE Select); coding-DNA position 451, G replaced by C.
Protein change: p.Gly151Arg; replaces glycine 151 with arginine.
Molecular consequence: missense variant.
Genome position (GRCh38, 1-based): chr8:144,474,885, C>G on the plus strand (G>C on the coding strand, the complement: FOXH1 is on the minus strand). VCF-style: chr8-144474885-C-G. GRCh37 (hg19) VCF-style: chr8-145700268-C-G.
Other names: short protein forms G151R.
Identifiers: ClinVar variation 3343268 (VCV003343268.1).

ClinVar aggregate classification (germline): Uncertain significance (1 of 4 stars; one submission).

gnomAD v4.1: 1 of 1,610,666 alleles (0.000062%); highest among the groups gnomAD compares: African/African-American, 0.0013%; no homozygotes.

Submission:

GeneDx
Classification: Uncertain significance. Last evaluated: 2023-04-29. Review status: criteria provided, single submitter. Criteria: GeneDx Variant Classification Process June 2021. Collection method: clinical testing. Allele origin: germline. Affected: yes.
Comment: Not observed at significant frequency in large population cohorts (gnomAD); In silico analysis supports that this missense variant has a deleterious effect on protein structure/function; Has not been previously published as pathogenic or benign to our knowledge